The following is an entry in ClinVar:

ClinVar aggregate classification (germline): Conflicting classifications of pathogenicity. Review status: criteria provided, conflicting classifications (1 of 4 stars). 4 submissions from 4 submitters: Pathogenic (1); Likely pathogenic (1); Uncertain significance (1). 1 of the submissions does not count toward it. Last evaluated 2025-06-04.

Conditions:
Retinitis pigmentosa 62 (RP62). Identifiers: Orphanet 791, MedGen C3280042, MONDO:0013611, OMIM 614181.
Retinal dystrophy. Also called: Inherited retinal dystrophy. Identifiers: Orphanet 71862, MedGen C0854723, MeSH D058499, MONDO:0019118, HP:0000556.

gnomAD v4.1: 1 of 1,614,102 alleles (0.000062%); highest among the groups gnomAD compares: South Asian, 0.0011%; no homozygotes.

Submissions (4):

Labcorp Genetics (formerly Invitae), Labcorp
Classification: Pathogenic. Last evaluated: 2025-06-04. Review status: criteria provided, single submitter. Criteria: Invitae Variant Classification Sherloc (09022015). Collection method: clinical testing. Allele origin: germline.
Comment: This sequence change creates a premature translational stop signal (p.Gln581*) in the MAK gene. It is expected to result in an absent or disrupted protein product. Loss-of-function variants in MAK are known to be pathogenic (PMID: 21148103, 21825139, 24938718, 29781741). This variant is not present in population databases (gnomAD no frequency). This variant has not been reported in the literature in individuals affected with MAK-related conditions. ClinVar contains an entry for this variant (Variation ID: 2809478). Algorithms developed to predict the effect of sequence changes on RNA splicing suggest that this variant may disrupt the consensus splice site. For these reasons, this variant has been classified as Pathogenic.

Blueprint Genetics
Classification: Uncertain significance. Last evaluated: 2024-09-18. Review status: criteria provided, single submitter. Criteria: ACMG Guidelines, 2015. Collection method: clinical testing. Allele origin: germline.

Fulgent Genetics
Classification: Likely pathogenic for Retinitis pigmentosa 62. Last evaluated: 2024-05-19. Review status: criteria provided, single submitter. Criteria: ACMG Guidelines, 2015. Collection method: clinical testing. Allele origin: germline.

Institute of Human Genetics, Univ. Regensburg, Univ. Regensburg
Classification: Likely pathogenic for Retinal dystrophy. Last evaluated: 2021-01-01. Review status: no assertion criteria provided. Criteria: ACMG Guidelines, 2015. Collection method: clinical testing. Allele origin: germline. Affected: yes. Not counted in ClinVar's aggregate classification.

Literature cited by the submitters: PubMed 21148103 (cited by Labcorp Genetics (formerly Invitae), Labcorp); PubMed 21825139 (cited by Labcorp Genetics (formerly Invitae), Labcorp); PubMed 24938718 (cited by Labcorp Genetics (formerly Invitae), Labcorp); PubMed 29781741 (cited by Labcorp Genetics (formerly Invitae), Labcorp).

NM_001242957.3(MAK):c.1741C>T (p.Gln581Ter)

Gene: MAK (male germ cell associated kinase; minus strand). Cytogenetic location: 6p24.2.
Variant type: single nucleotide variant.
Coding change: c.1741C>T on transcript NM_001242957.3 (MANE Select); coding-DNA position 1741, C replaced by T.
Protein change: p.Gln581Ter; replaces glutamine 581 with a stop codon.
Molecular consequence: nonsense. On other transcripts: non-coding transcript variant (2), intron variant (2).
Genome position (GRCh38, 1-based): chr6:10,770,162, G>A on the plus strand (C>T on the coding strand, the complement: MAK is on the minus strand). VCF-style: chr6-10770162-G-A. GRCh37 (hg19) VCF-style: chr6-10770395-G-A.
Other names: c.1666C>T, p.Gln556Ter (NM_005906.6); c.1495+5166C>T (NM_001377262.1); c.1597+5166C>T (NM_001242385.2); short protein forms Q556*, Q581*.
Identifiers: ClinVar variation 2809478 (VCV002809478.6), dbSNP rs746594889, ClinGen allele CA362714452.